The following is an entry in ClinVar:

ClinVar aggregate classification (germline): Benign/Likely benign. Review status: criteria provided, multiple submitters, no conflicts (2 of 4 stars). 2 submissions from 2 submitters: Benign (1); Likely benign (1). Last evaluated 2026-07-13.

Conditions:
Rhabdoid tumor predisposition syndrome 2 (RTPS2). Identifiers: Orphanet 231108, Orphanet 69077, MedGen C2750074, MONDO:0013224, OMIM 613325.

Allele frequency attached by ClinVar (database versions not stated): TOPMed below 0.00001; gnomAD 0.00001.
gnomAD v4.1: 1 of 1,613,618 alleles (0.000062%); highest among the groups gnomAD compares: African/African-American, 0.0013%; no homozygotes.

Submissions (2):

Myriad Genetics, Inc.
Classification: Benign for Rhabdoid tumor predisposition syndrome 2. Last evaluated: 2026-07-13. Review status: criteria provided, single submitter. Criteria: Myriad Autosomal Dominant, Autosomal Recessive and X-Linked Classification Criteria (2023). Collection method: clinical testing. Allele origin: unknown.
Comment: This variant is considered benign. This variant is a silent/synonymous amino acid change and it is not expected to impact splicing.

Labcorp Genetics (formerly Invitae), Labcorp
Classification: Likely benign for Rhabdoid tumor predisposition syndrome 2. Last evaluated: 2022-01-15. Review status: criteria provided, single submitter. Criteria: Invitae Variant Classification Sherloc (09022015). Collection method: clinical testing. Allele origin: germline.

NM_003072.5(SMARCA4):c.2721G>A (p.Leu907=)

Gene: SMARCA4 (SWI/SNF related BAF chromatin remodeling complex subunit ATPase 4; plus strand). Cytogenetic location: 19p13.2.
Variant type: single nucleotide variant.
Coding change: c.2721G>A on transcript NM_003072.5 (MANE Select); coding-DNA position 2721, G replaced by A.
Protein change: p.Leu907=; no amino-acid change (leucine 907 retained).
Molecular consequence: synonymous variant. On other transcripts: non-coding transcript variant (1).
Genome position (GRCh38, 1-based): chr19:11,021,829, G>A. VCF-style: chr19-11021829-G-A. GRCh37 (hg19) VCF-style: chr19-11132505-G-A.
Other names: c.2721G>A, p.Leu907= (NM_001128844.3, NM_001128845.2, NM_001128846.2 and 5 more transcripts).
Identifiers: ClinVar variation 1125801 (VCV001125801.10), dbSNP rs1279310975, ClinGen allele CA505743575.
Genomic context (GRCh38, chr19:11,021,829, plus strand): 5'-GAACCACCACTGCAAGCTGACGCAGGTGCTCAACACGCACTATGTGGCACCCCGCCGCCT[G>A]CTGCTGACGGGCACACCGCTGCAGAACAAGCTTCCCGAGCTCTGGGCGCTGCTCAACTTC-3'
Protein context (NP_003063.2, residues 897-917): LNTHYVAPRR[Leu907=]LLTGTPLQNK